The following is an entry in ClinVar:

NM_198334.3(GANAB):c.19G>C (p.Val7Leu)

Gene: GANAB (glucosidase II alpha subunit; minus strand). Cytogenetic location: 11q12.3.
Variant type: single nucleotide variant.
Coding change: c.19G>C on transcript NM_198334.3 (MANE Select); coding-DNA position 19, G replaced by C.
Protein change: p.Val7Leu; replaces valine 7 with leucine.
Molecular consequence: missense variant. On other transcripts: 5 prime UTR variant (3).
Genome position (GRCh38, 1-based): chr11:62,646,581, C>G on the plus strand (G>C on the coding strand, the complement: GANAB is on the minus strand). VCF-style: chr11-62646581-C-G. GRCh37 (hg19) VCF-style: chr11-62414053-C-G.
Other names: c.19G>C, p.Val7Leu (NM_001278192.2, NM_001278193.2, NM_198335.4); c.-164G>C (NM_001278194.2); c.-269G>C (NM_001329223.2); c.-758G>C (NM_001329225.2); short protein forms V7L.
Identifiers: ClinVar variation 3778285 (VCV003778285.7).

ClinVar aggregate classification (germline): Likely benign (1 of 4 stars; one submission).

gnomAD v4.1: 6 of 1,613,894 alleles (0.00037%); highest among the groups gnomAD compares: Non-Finnish European, 0.00025%; no homozygotes.

Submission:

CeGaT Center for Human Genetics Tuebingen
Classification: Likely benign. Last evaluated: 2026-04-01. Review status: criteria provided, single submitter. Criteria: CeGaT Center For Human Genetics Tuebingen Variant Classification Criteria Version 2. Collection method: clinical testing. Allele origin: germline. Affected: yes. Observed: 1 variant allele.
Comment: GANAB: BP4